The following is an entry in ClinVar:

NM_133510.4(RAD51B):c.145G>A (p.Val49Ile)

Gene: RAD51B (RAD51 paralog B; plus strand). Cytogenetic location: 14q24.1.
Variant type: single nucleotide variant.
Coding change: c.145G>A on transcript NM_133510.4 (MANE Select); coding-DNA position 145, G replaced by A.
Protein change: p.Val49Ile; replaces valine 49 with isoleucine.
Molecular consequence: missense variant. On other transcripts: 5 prime UTR variant (1).
Genome position (GRCh38, 1-based): chr14:67,825,524, G>A. VCF-style: chr14-67825524-G-A. GRCh37 (hg19) VCF-style: chr14-68292241-G-A.
Other names: c.145G>A, p.Val49Ile (NM_001321809.2, NM_001321810.2, NM_001321812.1 and 6 more transcripts); c.31G>A, p.Val11Ile (NM_001321815.1); c.-311G>A (NM_001321817.2); short protein forms V11I, V49I.
Identifiers: ClinVar variation 3786403 (VCV003786403.1).

ClinVar aggregate classification (germline): Uncertain significance (1 of 4 stars; one submission).

gnomAD v4.1: 2 of 1,613,762 alleles (0.00012%); highest among the groups gnomAD compares: Non-Finnish European, 0.00017%; no homozygotes.

Submission:

Ambry Genetics
Classification: Uncertain significance. Last evaluated: 2024-12-31. Review status: criteria provided, single submitter. Criteria: Ambry Variant Classification Scheme 2023. Collection method: clinical testing. Allele origin: germline.
Comment: The p.V49I variant (also known as c.145G>A), located in coding exon 2 of the RAD51B gene, results from a G to A substitution at nucleotide position 145. The valine at codon 49 is replaced by isoleucine, an amino acid with highly similar properties. This amino acid position is conserved. In addition, this alteration is predicted to be tolerated by in silico analysis. Based on the available evidence, the clinical significance of this variant remains unclear.